The following is an entry in ClinVar:

ClinVar aggregate classification (germline): Uncertain significance. Review status: criteria provided, multiple submitters, no conflicts (2 of 4 stars). 2 submissions from 2 submitters: Uncertain significance (2). Last evaluated 2024-12-02.

gnomAD v4.1: 5 of 1,613,824 alleles (0.00031%); highest among the groups gnomAD compares: African/African-American, 0.0067%; no homozygotes.

Submissions (2):

Ambry Genetics
Classification: Uncertain significance. Last evaluated: 2024-12-02. Review status: criteria provided, single submitter. Criteria: Ambry Variant Classification Scheme 2023. Collection method: clinical testing. Allele origin: germline.
Comment: The p.M512L variant (also known as c.1534A>T), located in coding exon 16 of the SRP72 gene, results from an A to T substitution at nucleotide position 1534. The methionine at codon 512 is replaced by leucine, an amino acid with highly similar properties. This amino acid position is conserved. In addition, the in silico prediction for this alteration is inconclusive. Based on the available evidence, the clinical significance of this variant remains unclear.

Labcorp Genetics (formerly Invitae), Labcorp
Classification: Uncertain significance. Last evaluated: 2022-07-25. Review status: criteria provided, single submitter. Criteria: Invitae Variant Classification Sherloc (09022015). Collection method: clinical testing. Allele origin: germline.
Comment: In summary, the available evidence is currently insufficient to determine the role of this variant in disease. Therefore, it has been classified as a Variant of Uncertain Significance. Algorithms developed to predict the effect of missense changes on protein structure and function (SIFT, PolyPhen-2, Align-GVGD) all suggest that this variant is likely to be tolerated. This variant has not been reported in the literature in individuals affected with SRP72-related conditions. This variant is present in population databases (no rsID available, gnomAD 0.01%). This sequence change replaces methionine, which is neutral and non-polar, with leucine, which is neutral and non-polar, at codon 512 of the SRP72 protein (p.Met512Leu).

NM_006947.4(SRP72):c.1534A>T (p.Met512Leu)

Gene: SRP72 (signal recognition particle 72; plus strand). Cytogenetic location: 4q12.
Variant type: single nucleotide variant.
Coding change: c.1534A>T on transcript NM_006947.4 (MANE Select); coding-DNA position 1534, A replaced by T.
Protein change: p.Met512Leu; replaces methionine 512 with leucine.
Molecular consequence: missense variant. On other transcripts: non-coding transcript variant (1).
Genome position (GRCh38, 1-based): chr4:56,491,462, A>T. VCF-style: chr4-56491462-A-T. GRCh37 (hg19) VCF-style: chr4-57357628-A-T.
Other names: c.1534A>T (NM_006947.3); c.1351A>T, p.Met451Leu (NM_001267722.2); short protein forms M451L, M512L.
Identifiers: ClinVar variation 2176632 (VCV002176632.6), dbSNP rs1447275630, ClinGen allele CA357001957.
Genomic context (GRCh38, chr4:56,491,462, plus strand): 5'-TATGTTCCTGAACTCCTGTTCTATCACAGTCTTAGTAAACACTTGCCATCGTCAGATAGT[A>T]TGTCTCTAAAAGTAGATGTTGAGGCTCTTGAAAATTCTGCTGGTGCTACATACATTCGGA-3'
Protein context (NP_008878.3, residues 502-522): LSKHLPSSDS[Met512Leu]SLKVDVEALE